The following is an entry in ClinVar:

NM_020921.4(NIN):c.6079-1686G>A

Gene: NIN (ninein; minus strand). Cytogenetic location: 14q22.1.
Variant type: single nucleotide variant.
Coding change: c.6079-1686G>A on transcript NM_020921.4 (MANE Select); 1686 bases into the intron before coding-DNA position 6079, G replaced by A.
Molecular consequence: intron variant. On other transcripts: splice acceptor variant (1).
Genome position (GRCh38, 1-based): chr14:50,727,752, C>T on the plus strand (G>A on the coding strand, the complement: NIN is on the minus strand). VCF-style: chr14-50727752-C-T. GRCh37 (hg19) VCF-style: chr14-51194470-C-T.
Other names: c.3940-1686G>A (NM_016350.5); c.6079-1686G>A (NM_182946.2); c.6079-1G>A (NM_182944.3).
Identifiers: ClinVar variation 930474 (VCV000930474.3), dbSNP rs1310109020, ClinGen allele CA389672447.

ClinVar aggregate classification (germline): Likely pathogenic (1 of 4 stars; one submission).

Conditions:
Seckel syndrome 7 (SCKL7). Identifiers: Orphanet 319675, MedGen C3553870, MONDO:0013922, OMIM 614851.

Allele frequency attached by ClinVar (database versions not stated): gnomAD exomes below 0.00001 and 0.00001.
gnomAD v4.1: 3 of 1,422,814 alleles (0.00021%); highest among the groups gnomAD compares: Non-Finnish European, 0.00028%; no homozygotes.

Submission:

Centre for Mendelian Genomics, University Medical Centre Ljubljana
Classification: Likely pathogenic for Seckel syndrome 7. Last evaluated: 2020-02-20. Review status: criteria provided, single submitter. Criteria: ACMG Guidelines, 2015. Collection method: clinical testing. Allele origin: unknown. Affected: yes.
Comment: This variant was classified as: Likely pathogenic. The following ACMG criteria were applied in classifying this variant: PVS1,PM2.